The following is an entry in ClinVar:

ClinVar aggregate classification (germline): Benign. Review status: criteria provided, multiple submitters, no conflicts (2 of 4 stars). 2 submissions from 2 submitters: Benign (2). Last evaluated 2018-01-12.

Conditions:
Exudative vitreoretinopathy 1 (EVR1). Also called: CRISWICK-SCHEPENS SYNDROME; FEVR, AUTOSOMAL DOMINANT; Familial exudative vitreoretinopathy, autosomal dominant. Identifiers: Orphanet 891, Orphanet 90050, MedGen C1851402, MONDO:0007589, OMIM 133780.

Allele frequency attached by ClinVar (database versions not stated): 1000 Genomes Project 30x 0.01608; 1000 Genomes Project 0.01617; TOPMed 0.03359; gnomAD 0.03706 and 0.03760; gnomAD exomes 0.07895.
gnomAD v4.1: 5,596 of 152,318 alleles (3.7%); highest among the groups gnomAD compares: Non-Finnish European, 6%; 140 homozygotes.

Submissions (2):

Illumina Laboratory Services, Illumina
Classification: Benign for Exudative vitreoretinopathy 1. Last evaluated: 2018-01-12. Review status: criteria provided, single submitter. Criteria: ICSL Variant Classification Criteria 13 December 2019. Collection method: clinical testing. Allele origin: germline.
Comment: This variant was observed in the ICSL laboratory as part of a predisposition screen in an ostensibly healthy population. It had not been previously curated by ICSL or reported in the Human Gene Mutation Database (HGMD: prior to June 1st, 2018), and was therefore a candidate for classification through an automated scoring system. Utilizing variant allele frequency, disease prevalence and penetrance estimates, and inheritance mode, an automated score was calculated to assess if this variant is too frequent to cause the disease. Based on the score and internal cut-off values, a variant classified as benign is not then subjected to further curation. The score for this variant resulted in a classification of benign for this disease.

Breakthrough Genomics
Classification: Benign. Review status: criteria provided, single submitter. Criteria: ACMG Guidelines, 2015. Collection method: not provided. Allele origin: germline. Inheritance: Autosomal dominant inheritance. Affected: yes.

NM_012193.4(FZD4):c.*4765T>C

Genes: FZD4 (frizzled class receptor 4; minus strand), PRSS23 (serine protease 23; plus strand). Cytogenetic location: 11q14.2.
Variant type: single nucleotide variant.
Coding change: c.*4765T>C on transcript NM_012193.4 (MANE Select); 4765 bases downstream of the stop codon, T replaced by C.
Molecular consequence: 3 prime UTR variant.
Genome position (GRCh38, 1-based): chr11:86,946,377, A>G on the plus strand (T>C on the coding strand, the complement: FZD4 is on the minus strand). VCF-style: chr11-86946377-A-G. GRCh37 (hg19) VCF-style: chr11-86657419-A-G.
Identifiers: ClinVar variation 306333 (VCV000306333.6), dbSNP rs72963441, ClinGen allele CA10640374.